The following is an entry in ClinVar:

ClinVar aggregate classification (germline): Conflicting classifications of pathogenicity. Review status: criteria provided, conflicting classifications (1 of 4 stars). 3 submissions from 3 submitters: Uncertain significance (2); Likely benign (1). Last evaluated 2025-08-20.

Allele frequency attached by ClinVar (database versions not stated): gnomAD exomes 0.00002 and 0.00004; ExAC 0.00003; gnomAD 0.00005 and 0.00006; TOPMed 0.00006; ESP Exome Variant Server 0.00017.
gnomAD v4.1: 64 of 1,613,854 alleles (0.004%); highest among the groups gnomAD compares: African/African-American, 0.012%; no homozygotes.

Submissions (3):

Ambry Genetics
Classification: Uncertain significance. Last evaluated: 2025-08-20. Review status: criteria provided, single submitter. Criteria: Ambry Variant Classification Scheme 2023. Collection method: clinical testing. Allele origin: germline.

Labcorp Genetics (formerly Invitae), Labcorp
Classification: Uncertain significance. Last evaluated: 2024-06-22. Review status: criteria provided, single submitter. Criteria: Invitae Variant Classification Sherloc (09022015). Collection method: clinical testing. Allele origin: germline.
Comment: This sequence change replaces threonine, which is neutral and polar, with methionine, which is neutral and non-polar, at codon 231 of the A2ML1 protein (p.Thr231Met). This variant is present in population databases (rs202211381, gnomAD 0.03%). This variant has not been reported in the literature in individuals affected with A2ML1-related conditions. ClinVar contains an entry for this variant (Variation ID: 1317760). Algorithms developed to predict the effect of missense changes on protein structure and function output the following: SIFT: "Not Available"; PolyPhen-2: "Benign"; Align-GVGD: "Not Available". The methionine amino acid residue is found in multiple mammalian species, which suggests that this missense change does not adversely affect protein function. Algorithms developed to predict the effect of sequence changes on RNA splicing suggest that this variant may disrupt the consensus splice site. In summary, the available evidence is currently insufficient to determine the role of this variant in disease. Therefore, it has been classified as a Variant of Uncertain Significance.

GeneDx
Classification: Likely benign. Last evaluated: 2018-12-14. Review status: criteria provided, single submitter. Criteria: GeneDx Variant Classification Process June 2021. Collection method: clinical testing. Allele origin: germline. Affected: yes.

NM_144670.6(A2ML1):c.692C>T (p.Thr231Met)

Gene: A2ML1 (alpha-2-macroglobulin like 1; plus strand). Cytogenetic location: 12p13.31.
Variant type: single nucleotide variant.
Coding change: c.692C>T on transcript NM_144670.6 (MANE Select); coding-DNA position 692, C replaced by T.
Protein change: p.Thr231Met; replaces threonine 231 with methionine.
Molecular consequence: missense variant.
Genome position (GRCh38, 1-based): chr12:8,836,303, C>T. VCF-style: chr12-8836303-C-T. GRCh37 (hg19) VCF-style: chr12-8988899-C-T.
Other names: short protein forms T231M.
Identifiers: ClinVar variation 1317760 (VCV001317760.12), dbSNP rs202211381, ClinGen allele CA6435395.